The following is an entry in ClinVar:

ClinVar aggregate classification (germline): Uncertain significance (1 of 4 stars; one submission).

gnomAD v4.1: 1 of 1,550,344 alleles (0.000065%); highest among the groups gnomAD compares: Middle Eastern, 0.017%; no homozygotes.

Submission:

CeGaT Center for Human Genetics Tuebingen
Classification: Uncertain significance. Last evaluated: 2026-09-01. Review status: criteria provided, single submitter. Criteria: CeGaT Center For Human Genetics Tuebingen Variant Classification Criteria Version 2. Collection method: clinical testing. Allele origin: germline. Affected: yes. Observed: 1 variant allele.
Comment: PIEZO1: PM2

NM_001142864.4(PIEZO1):c.6137T>G (p.Phe2046Cys)

Gene: PIEZO1 (piezo type mechanosensitive ion channel component 1 (Er blood group); minus strand). Cytogenetic location: 16q24.3.
Variant type: single nucleotide variant.
Coding change: c.6137T>G on transcript NM_001142864.4 (MANE Select); coding-DNA position 6137, T replaced by G.
Protein change: p.Phe2046Cys; replaces phenylalanine 2046 with cysteine.
Molecular consequence: missense variant.
Genome position (GRCh38, 1-based): chr16:88,720,096, A>C on the plus strand (T>G on the coding strand, the complement: PIEZO1 is on the minus strand). VCF-style: chr16-88720096-A-C. GRCh37 (hg19) VCF-style: chr16-88786504-A-C.
Other names: short protein forms F2046C.
Identifiers: ClinVar variation 5041573 (VCV005041573.1).
Genomic context (GRCh38, chr16:88,720,096, plus strand): 5'-CTGGAGACCGAGCGCCCCCACGCGTGGGCCCACCTCTCAGTGACGGCGGGCAGGATGAAG[A>C]ACATCCATAGGTGGATGGCCAGCACCAGCGCCACCTGGAAGGCCAGCTTGCCCAGCACGG-3'
Protein context (NP_001136336.2, residues 2036-2056): ALVLAIHLWM[Phe2046Cys]FILPAVTERM